The following is an entry in ClinVar:

NM_015512.5(DNAH1):c.3858+5G>C

Gene: DNAH1 (dynein axonemal heavy chain 1; plus strand). Cytogenetic location: 3p21.1.
Variant type: single nucleotide variant.
Coding change: c.3858+5G>C on transcript NM_015512.5 (MANE Select); 5 bases into the intron after coding-DNA position 3858, G replaced by C.
Molecular consequence: intron variant.
Genome position (GRCh38, 1-based): chr3:52,356,783, G>C. VCF-style: chr3-52356783-G-C. GRCh37 (hg19) VCF-style: chr3-52390799-G-C.
Identifiers: ClinVar variation 1349340 (VCV001349340.3), dbSNP rs755582453, ClinGen allele CA2433713.

ClinVar aggregate classification (germline): Uncertain significance (1 of 4 stars; one submission).

Conditions:
Spermatogenic failure 18. Identifiers: MedGen C4539783, MONDO:0054615, OMIM 617576.
Ciliary dyskinesia, primary, 37 (CILD37). Also called: CILIARY DYSKINESIA, PRIMARY, 37, WITH OR WITHOUT SITUS INVERSUS. Identifiers: MedGen C4539798, MONDO:0033204, OMIM 617577.

Allele frequency attached by ClinVar (database versions not stated): gnomAD 0.00002.
gnomAD v4.1: 27 of 1,595,626 alleles (0.0017%); highest among the groups gnomAD compares: Non-Finnish European, 0.0019%; no homozygotes.

Submission:

Labcorp Genetics (formerly Invitae), Labcorp
Classification: Uncertain significance for Ciliary dyskinesia, primary, 37; Spermatogenic failure 18. Last evaluated: 2022-09-26. Review status: criteria provided, single submitter. Criteria: Invitae Variant Classification Sherloc (09022015). Collection method: clinical testing. Allele origin: germline.
Comment: This sequence change falls in intron 22 of the DNAH1 gene. It does not directly change the encoded amino acid sequence of the DNAH1 protein. It affects a nucleotide within the consensus splice site. This variant is present in population databases (rs755582453, gnomAD 0.004%). This variant has not been reported in the literature in individuals affected with DNAH1-related conditions. ClinVar contains an entry for this variant (Variation ID: 1349340). Variants that disrupt the consensus splice site are a relatively common cause of aberrant splicing (PMID: 17576681, 9536098). Algorithms developed to predict the effect of sequence changes on RNA splicing suggest that this variant may disrupt the consensus splice site. In summary, the available evidence is currently insufficient to determine the role of this variant in disease. Therefore, it has been classified as a Variant of Uncertain Significance.

Literature cited by the submitters: PubMed 17576681; PubMed 9536098.